The following is an entry in ClinVar:

ClinVar aggregate classification (germline): Benign. Review status: criteria provided, multiple submitters, no conflicts (2 of 4 stars). 2 submissions from 2 submitters: Benign (2). Last evaluated 2018-01-13.

Conditions:
Oculocutaneous albinism type 3 (OCA3). Also called: ALBINISM III; RUFOUS OCULOCUTANEOUS ALBINISM; XANTHISM; Albinism, oculocutaneous, type III; Rufous OCA; Rufous albinism. Identifiers: Orphanet 79433, MedGen C0342683, MONDO:0008747, OMIM 203290.

Allele frequency attached by ClinVar (database versions not stated): 1000 Genomes Project 0.24101; 1000 Genomes Project 30x 0.24375; TOPMed 0.42757; gnomAD 0.45871 and 0.46929; gnomAD exomes 0.50515.

Submissions (2):

Illumina Laboratory Services, Illumina
Classification: Benign for Oculocutaneous albinism type 3. Last evaluated: 2018-01-13. Review status: criteria provided, single submitter. Criteria: ICSL Variant Classification Criteria 13 December 2019. Collection method: clinical testing. Allele origin: germline.
Comment: This variant was observed in the ICSL laboratory as part of a predisposition screen in an ostensibly healthy population. It had not been previously curated by ICSL or reported in the Human Gene Mutation Database (HGMD: prior to June 1st, 2018), and was therefore a candidate for classification through an automated scoring system. Utilizing variant allele frequency, disease prevalence and penetrance estimates, and inheritance mode, an automated score was calculated to assess if this variant is too frequent to cause the disease. Based on the score and internal cut-off values, a variant classified as benign is not then subjected to further curation. The score for this variant resulted in a classification of benign for this disease.

Breakthrough Genomics
Classification: Benign. Review status: criteria provided, single submitter. Criteria: ACMG Guidelines, 2015. Collection method: not provided. Allele origin: germline. Inheritance: Autosomal recessive inheritance. Affected: yes.

NM_000550.3(TYRP1):c.*404A>T

Genes: TYRP1 (tyrosinase related protein 1; plus strand), LURAP1L-AS1 (LURAP1L antisense RNA 1; minus strand). Cytogenetic location: 9p23.
Variant type: single nucleotide variant.
Coding change: c.*404A>T on transcript NM_000550.3 (MANE Select); 404 bases downstream of the stop codon, A replaced by T.
Molecular consequence: 3 prime UTR variant.
Genome position (GRCh38, 1-based): chr9:12,709,586, A>T. VCF-style: chr9-12709586-A-T. GRCh37 (hg19) VCF-style: chr9-12709586-A-T.
Identifiers: ClinVar variation 364865 (VCV000364865.6), dbSNP rs2762464, ClinGen allele CA10628996.
Genomic context (GRCh38, chr9:12,709,586, plus strand): 5'-GATAGTAAATGTCCACTTAAAATACATGAATGGGCATTTCTAAAATGTTAAAACATAAAC[A>T]CATTTCCATTCATGGATATTTGTCAACAGATTTAAAGAAAACCACAGTTATTAATTAAAG-3'